The following is an entry in ClinVar:

ClinVar aggregate classification (germline): Uncertain significance. Review status: criteria provided, multiple submitters, no conflicts (2 of 4 stars). 2 submissions from 2 submitters: Uncertain significance (2). Last evaluated 2025-09-01.

Conditions:
Adams-Oliver syndrome 5 (AOS5). Identifiers: Orphanet 974, MedGen C4014970, MONDO:0014459, OMIM 616028.

Allele frequency attached by ClinVar (database versions not stated): TOPMed below 0.00001.

Submissions (2):

Labcorp Genetics (formerly Invitae), Labcorp
Classification: Uncertain significance for Adams-Oliver syndrome 5. Last evaluated: 2025-09-01. Review status: criteria provided, single submitter. Criteria: Invitae Variant Classification Sherloc (09022015). Collection method: clinical testing. Allele origin: germline.
Comment: This sequence change replaces glycine, which is neutral and non-polar, with arginine, which is basic and polar, at codon 2260 of the NOTCH1 protein (p.Gly2260Arg). This variant is not present in population databases (gnomAD no frequency). This variant has not been reported in the literature in individuals affected with NOTCH1-related conditions. ClinVar contains an entry for this variant (Variation ID: 1331233). Invitae Evidence Modeling of protein sequence and biophysical properties (such as structural, functional, and spatial information, amino acid conservation, physicochemical variation, residue mobility, and thermodynamic stability) indicates that this missense variant is not expected to disrupt NOTCH1 protein function with a negative predictive value of 80%. In summary, the available evidence is currently insufficient to determine the role of this variant in disease. Therefore, it has been classified as a Variant of Uncertain Significance.

GeneDx
Classification: Uncertain significance. Last evaluated: 2021-06-28. Review status: criteria provided, single submitter. Criteria: GeneDx Variant Classification Process June 2021. Collection method: clinical testing. Allele origin: germline. Affected: yes.
Comment: Has not been previously published as pathogenic or benign to our knowledge; Not observed at significant frequency in large population cohorts (Lek et al., 2016); In silico analysis supports that this missense variant does not alter protein structure/function; This variant is associated with the following publications: (PMID: 27535533)

NM_017617.5(NOTCH1):c.6778G>C (p.Gly2260Arg)

Gene: NOTCH1 (notch receptor 1; minus strand). Cytogenetic location: 9q34.3.
Variant type: single nucleotide variant.
Coding change: c.6778G>C on transcript NM_017617.5 (MANE Select); coding-DNA position 6778, G replaced by C.
Protein change: p.Gly2260Arg; replaces glycine 2260 with arginine.
Molecular consequence: missense variant.
Genome position (GRCh38, 1-based): chr9:136,496,961, C>G on the plus strand (G>C on the coding strand, the complement: NOTCH1 is on the minus strand). VCF-style: chr9-136496961-C-G. GRCh37 (hg19) VCF-style: chr9-139391413-C-G.
Other names: short protein forms G2260R.
Identifiers: ClinVar variation 1331233 (VCV001331233.3), dbSNP rs1405100445, ClinGen allele CA375630294.